The following is an entry in ClinVar:

ClinVar aggregate classification (germline): Uncertain significance (1 of 4 stars; one submission).

Conditions:
Inborn genetic diseases. Identifiers: MedGen C0950123, MeSH D030342.

gnomAD v4.1: 1 of 1,614,234 alleles (0.000062%); highest among the groups gnomAD compares: Admixed American, 0.0017%; no homozygotes.

Submission:

Ambry Genetics
Classification: Uncertain significance for Inborn genetic diseases. Last evaluated: 2026-01-01. Review status: criteria provided, single submitter. Criteria: Ambry Variant Classification Scheme 2023. Collection method: clinical testing. Allele origin: germline.
Comment: The p.V21L variant (also known as c.61G>C), located in coding exon 1 of the BMPR2 gene, results from a G to C substitution at nucleotide position 61. The valine at codon 21 is replaced by leucine, an amino acid with highly similar properties. This amino acid position is conserved. In addition, this alteration is predicted to be tolerated by in silico analysis. Based on the available evidence, the clinical significance of this variant remains unclear.

NM_001204.7(BMPR2):c.61G>C (p.Val21Leu)

Gene: BMPR2 (bone morphogenetic protein receptor type 2; plus strand). Cytogenetic location: 2q33.1.
Variant type: single nucleotide variant.
Coding change: c.61G>C on transcript NM_001204.7 (MANE Select); coding-DNA position 61, G replaced by C.
Protein change: p.Val21Leu; replaces valine 21 with leucine.
Molecular consequence: missense variant.
Genome position (GRCh38, 1-based): chr2:202,377,535, G>C. VCF-style: chr2-202377535-G-C. GRCh37 (hg19) VCF-style: chr2-203242258-G-C.
Other names: short protein forms V21L.
Identifiers: ClinVar variation 4843372 (VCV004843372.1).